The following is an entry in ClinVar:

ClinVar aggregate classification (germline): Likely benign (1 of 4 stars; one submission).

gnomAD v4.1: 2,970 of 1,612,654 alleles (0.18%); highest among the groups gnomAD compares: African/African-American, 0.71%; 9 homozygotes.

Submission:

CeGaT Center for Human Genetics Tuebingen
Classification: Likely benign. Last evaluated: 2024-08-01. Review status: criteria provided, single submitter. Criteria: CeGaT Center For Human Genetics Tuebingen Variant Classification Criteria Version 2. Collection method: clinical testing. Allele origin: germline. Affected: yes. Observed: 1 variant allele.
Comment: PDIA2: BP4, BP7

NM_006849.4(PDIA2):c.684T>C (p.Asp228=)

Gene: PDIA2 (protein disulfide isomerase family A member 2; plus strand). Cytogenetic location: 16p13.3.
Variant type: single nucleotide variant.
Coding change: c.684T>C on transcript NM_006849.4 (MANE Select); coding-DNA position 684, T replaced by C.
Protein change: p.Asp228=; no amino-acid change (aspartic acid 228 retained).
Molecular consequence: synonymous variant.
Genome position (GRCh38, 1-based): chr16:285,089, T>C. VCF-style: chr16-285089-T-C. GRCh37 (hg19) VCF-style: chr16-335089-T-C.
Identifiers: ClinVar variation 3341568 (VCV003341568.16).